The following is an entry in ClinVar:

ClinVar aggregate classification (germline): Uncertain significance (1 of 4 stars; one submission).

gnomAD v4.1: 7 of 1,550,640 alleles (0.00045%); highest among the groups gnomAD compares: Admixed American, 0.002%; no homozygotes.

Submission:

GeneDx
Classification: Uncertain significance. Last evaluated: 2024-05-03. Review status: criteria provided, single submitter. Criteria: GeneDx Variant Classification Process June 2021. Collection method: clinical testing. Allele origin: germline. Affected: yes.
Comment: Not observed at significant frequency in large population cohorts (gnomAD); In silico analysis supports that this missense variant has a deleterious effect on protein structure/function; Has not been previously published as pathogenic or benign to our knowledge

NM_001292063.2(OTOG):c.1336C>T (p.Pro446Ser)

Gene: OTOG (otogelin; plus strand). Cytogenetic location: 11p15.1.
Variant type: single nucleotide variant.
Coding change: c.1336C>T on transcript NM_001292063.2 (MANE Select); coding-DNA position 1336, C replaced by T.
Protein change: p.Pro446Ser; replaces proline 446 with serine.
Molecular consequence: missense variant.
Genome position (GRCh38, 1-based): chr11:17,559,656, C>T. VCF-style: chr11-17559656-C-T. GRCh37 (hg19) VCF-style: chr11-17581203-C-T.
Other names: c.1372C>T, p.Pro458Ser (NM_001277269.2); short protein forms P446S, P458S.
Identifiers: ClinVar variation 3373286 (VCV003373286.1).